The following is an entry in ClinVar:

NM_144672.4(OTOA):c.1095C>T (p.Gly365=)

Gene: OTOA (otoancorin). Cytogenetic location: 16p12.2.
Variant type: single nucleotide variant.
Coding change: c.1095C>T on transcript NM_144672.4 (MANE Select); coding-DNA position 1095, C replaced by T.
Protein change: p.Gly365=; no amino-acid change (glycine 365 retained).
Molecular consequence: synonymous variant.
Genome position (GRCh38, 1-based): chr16:21,705,283, C>T. VCF-style: chr16-21705283-C-T. GRCh37 (hg19) VCF-style: chr16-21716604-C-T.
Other names: p.Gly365=; c.858C>T, p.Gly286= (NM_001161683.2); c.123C>T, p.Gly41= (NM_170664.3).
Identifiers: ClinVar variation 164817 (VCV000164817.15), dbSNP rs115543159, ClinGen allele CA177523.
Genomic context (GRCh38, chr16:21,705,283, plus strand): 5'-GGCTCAAGTCCTGCTTTACCAGATGATCAAGTGCAGCCACCTGAGGGGCTTCCAGGCTGG[C>T]GTCCAGAAGGTACAGCTGGGGTGCAAGGCCCTGAGGCCTCTGCCTCAGTGTCACTAGCCA-3'
Protein context (NP_653273.3, residues 355-375): KCSHLRGFQA[Gly365=]VQKLKAELLD

ClinVar aggregate classification (germline): Benign. Review status: criteria provided, multiple submitters, no conflicts (2 of 4 stars). 5 submissions from 5 submitters: Benign (5). Last evaluated 2026-02-02.

Allele frequency attached by ClinVar (database versions not stated): ExAC 0.00340; gnomAD 0.00963; 1000 Genomes Project 0.00978; 1000 Genomes Project 30x 0.01062; TOPMed 0.01086; ESP Exome Variant Server 0.01185.
gnomAD v4.1: 2,942 of 1,613,868 alleles (0.18%); highest among the groups gnomAD compares: African/African-American, 3.3%; 53 homozygotes.

Submissions (5):

Labcorp Genetics (formerly Invitae), Labcorp
Classification: Benign. Last evaluated: 2026-02-02. Review status: criteria provided, single submitter. Criteria: Invitae Variant Classification Sherloc (09022015). Collection method: clinical testing. Allele origin: germline.

Mayo Clinic Laboratories, Mayo Clinic
Classification: Benign. Last evaluated: 2025-03-20. Review status: criteria provided, single submitter. Criteria: ACMG Guidelines, 2015. Collection method: clinical testing. Allele origin: germline. Observed: 1 variant allele.
Comment: BA1, BS2

GeneDx
Classification: Benign. Last evaluated: 2018-01-16. Review status: criteria provided, single submitter. Criteria: GeneDx Variant Classification (06012015). Collection method: clinical testing. Allele origin: germline. Affected: yes.
Comment: This variant is considered likely benign or benign based on one or more of the following criteria: it is a conservative change, it occurs at a poorly conserved position in the protein, it is predicted to be benign by multiple in silico algorithms, and/or has population frequency not consistent with disease.

Laboratory for Molecular Medicine, Mass General Brigham Personalized Medicine
Classification: Benign. Last evaluated: 2012-05-07. Review status: criteria provided, single submitter. Criteria: LMM Criteria. Collection method: clinical testing. Allele origin: germline. Observed: 16 variant alleles.
Comment: "Gly365Gly in Exon 11 of OTOA: This variant is not expected to have clinical sig nificance because it does not alter an amino acid residue, is not located within the splice consensus sequence, and has been identified in 3.5% (129/3738) of Af rican American chromosomes from a broad population by the NHLBI Exome Sequencing Project (dbSNP rs115543159)."

Breakthrough Genomics
Classification: Benign. Review status: criteria provided, single submitter. Criteria: ACMG Guidelines, 2015. Collection method: not provided. Allele origin: germline. Inheritance: Autosomal recessive inheritance. Affected: yes.